The following is an entry in ClinVar:

NM_001035.3(RYR2):c.6871A>G (p.Asn2291Asp)

Gene: RYR2 (ryanodine receptor 2; plus strand). Cytogenetic location: 1q43.
Variant type: single nucleotide variant.
Coding change: c.6871A>G on transcript NM_001035.3 (MANE Select); coding-DNA position 6871, A replaced by G.
Protein change: p.Asn2291Asp; replaces asparagine 2291 with aspartic acid.
Molecular consequence: missense variant.
Genome position (GRCh38, 1-based): chr1:237,638,435, A>G. VCF-style: chr1-237638435-A-G. GRCh37 (hg19) VCF-style: chr1-237801735-A-G.
Other names: short protein forms N2291D.
Identifiers: ClinVar variation 1008967 (VCV001008967.31), dbSNP rs1681101676, ClinGen allele CA345395589.

ClinVar aggregate classification (germline): Uncertain significance. Review status: criteria provided, multiple submitters, no conflicts (2 of 4 stars). 3 submissions from 3 submitters: Uncertain significance (3). Last evaluated 2023-12-01.

Conditions:
Catecholaminergic polymorphic ventricular tachycardia 1. Also called: VENTRICULAR TACHYCARDIA, STRESS-INDUCED POLYMORPHIC 1; RYR2-Related Catecholaminergic Polymorphic Ventricular Tachycardia; VENTRICULAR TACHYCARDIA, CATECHOLAMINERGIC POLYMORPHIC, 1, WITH OR WITHOUT ATRIAL DYSFUNCTION AND/OR DILATED CARDIOMYOPATHY. Identifiers: Orphanet 3286, MedGen C1631597, MONDO:0011484, OMIM 604772.
Catecholaminergic polymorphic ventricular tachycardia (CVPT). Also called: Catecholamine-induced polymorphic ventricular tachycardia. Identifiers: Orphanet 3286, MedGen C5574922, MONDO:0017990.

Allele frequency attached by ClinVar (database versions not stated): gnomAD exomes below 0.00001.
gnomAD v4.1: 2 of 1,613,962 alleles (0.00012%); highest among the groups gnomAD compares: Non-Finnish European, 0.00017%; no homozygotes.

Submissions (3):

CeGaT Center for Human Genetics Tuebingen
Classification: Uncertain significance. Last evaluated: 2023-12-01. Review status: criteria provided, single submitter. Criteria: CeGaT Center For Human Genetics Tuebingen Variant Classification Criteria Version 2. Collection method: clinical testing. Allele origin: germline. Affected: yes. Observed: 1 variant allele.
Comment: RYR2: PM2

Labcorp Genetics (formerly Invitae), Labcorp
Classification: Uncertain significance for Catecholaminergic polymorphic ventricular tachycardia 1. Last evaluated: 2023-09-05. Review status: criteria provided, single submitter. Criteria: Invitae Variant Classification Sherloc (09022015). Collection method: clinical testing. Allele origin: germline.
Comment: In summary, the available evidence is currently insufficient to determine the role of this variant in disease. Therefore, it has been classified as a Variant of Uncertain Significance. Advanced modeling of protein sequence and biophysical properties (such as structural, functional, and spatial information, amino acid conservation, physicochemical variation, residue mobility, and thermodynamic stability) has been performed at Invitae for this missense variant, however the output from this modeling did not meet the statistical confidence thresholds required to predict the impact of this variant on RYR2 protein function. ClinVar contains an entry for this variant (Variation ID: 1008967). This variant has not been reported in the literature in individuals affected with RYR2-related conditions. This variant is not present in population databases (gnomAD no frequency). This sequence change replaces asparagine, which is neutral and polar, with aspartic acid, which is acidic and polar, at codon 2291 of the RYR2 protein (p.Asn2291Asp).

All of Us Research Program, National Institutes of Health
Classification: Uncertain significance for Catecholaminergic polymorphic ventricular tachycardia. Last evaluated: 2023-02-15. Review status: criteria provided, single submitter. Criteria: ACMG Guidelines, 2015. Collection method: clinical testing. Allele origin: germline. Inheritance: Autosomal dominant inheritance. Observed: 1 variant allele, 1 heterozygote.
Comment: This missense variant replaces asparagine with aspartic acid at codon 2291 of the RYR2 protein. Computational prediction suggests that this variant may have deleterious impact on protein structure and function (internally defined REVEL score threshold >= 0.7, PMID: 27666373). To our knowledge, functional studies have not been reported for this variant. This variant has not been reported in individuals affected with cardiovascular disorders in the literature. This variant has not been identified in the general population by the Genome Aggregation Database (gnomAD). The available evidence is insufficient to determine the role of this variant in disease conclusively. Therefore, this variant is classified as a Variant of Uncertain Significance.

This study involves interpretation of variants in research participants for the purpose of population health screening. Participant phenotype was not available at the time of variant classification. Additional details can be found in publication PMID: 35346344, PMCID: PMC8962531